The following is an entry in ClinVar:

ClinVar aggregate classification (germline): Uncertain significance. Review status: criteria provided, multiple submitters, no conflicts (2 of 4 stars). 4 submissions from 4 submitters: Uncertain significance (3). 1 of the submissions does not count toward it. Last evaluated 2026-09-08.

Conditions:
LHX3-related disorder. Also called: LHX3-related condition.
Inborn genetic diseases. Identifiers: MedGen C0950123, MeSH D030342.
Pituitary hormone deficiency, combined, 1 (CPHD1). Also called: Pituitary hormone deficiency, combined or isolated, 1. Identifiers: MedGen C2751608, MONDO:0024464, OMIM 613038.

Allele frequency attached by ClinVar (database versions not stated): ExAC 0.00003; gnomAD exomes 0.00005; TOPMed 0.00005; gnomAD 0.00007 and 0.00008.
gnomAD v4.1: 75 of 1,603,942 alleles (0.0047%); highest among the groups gnomAD compares: Non-Finnish European, 0.0061%; no homozygotes.

Submissions (4):

PreventionGenetics, part of Exact Sciences
Classification: Uncertain significance for LHX3-related condition. Last evaluated: 2026-09-08. Review status: criteria provided, single submitter. Criteria: ACMG Guidelines, 2015. Collection method: clinical testing. Allele origin: germline.
Comment: The LHX3 c.296A>T variant is predicted to result in the amino acid substitution p.Gln99Leu. To our knowledge, this variant has not been reported in the literature. This variant is reported in 0.011% of alleles in individuals of European (Non-Finnish) descent in gnomAD. At this time, the clinical significance of this variant is uncertain due to the absence of conclusive functional and genetic evidence.

Ambry Genetics
Classification: Uncertain significance for Inborn genetic diseases. Last evaluated: 2024-12-30. Review status: criteria provided, single submitter. Criteria: Ambry Variant Classification Scheme 2023. Collection method: clinical testing. Allele origin: germline.

Blueprint Genetics
Classification: Uncertain significance. Last evaluated: 2024-08-23. Review status: criteria provided, single submitter. Criteria: ACMG Guidelines, 2015. Collection method: clinical testing. Allele origin: germline.

Clinical Molecular Genetics Laboratory, Johns Hopkins All Children's Hospital
Classification: Uncertain significance for Pituitary hormone deficiency, combined, 1. Last evaluated: 2012-09-14. Review status: no assertion criteria provided. Collection method: clinical testing. Allele origin: germline. Affected: yes. Not counted in ClinVar's aggregate classification.

NM_178138.6(LHX3):c.281A>T (p.Gln94Leu)

Gene: LHX3 (LIM homeobox 3; minus strand). Cytogenetic location: 9q34.3.
Variant type: single nucleotide variant.
Coding change: c.281A>T on transcript NM_178138.6 (MANE Select); coding-DNA position 281, A replaced by T.
Protein change: p.Gln94Leu; replaces glutamine 94 with leucine.
Molecular consequence: missense variant.
Genome position (GRCh38, 1-based): chr9:136,199,851, T>A on the plus strand (A>T on the coding strand, the complement: LHX3 is on the minus strand). VCF-style: chr9-136199851-T-A. GRCh37 (hg19) VCF-style: chr9-139091697-T-A.
Other names: c.248A>T, p.Gln83Leu (NM_001363746.1); c.296A>T, p.Gln99Leu (NM_014564.5); c.296A>T (NM_014564.3, NM_014564.4); short protein forms Q94L, Q83L, Q99L.
Identifiers: ClinVar variation 492770 (VCV000492770.4), dbSNP rs758634719, ClinGen allele CA5330532.